The following is an entry in ClinVar:

ClinVar aggregate classification (germline): Pathogenic/Likely pathogenic. Review status: criteria provided, multiple submitters, no conflicts (2 of 4 stars). 6 submissions from 6 submitters: Pathogenic (3); Likely pathogenic (2). 1 of the submissions does not count toward it. Last evaluated 2025-09-22.

Conditions:
Phenylketonuria (PKU). Also called: Phenylketonuria (PKU); FOLLING DISEASE; OLIGOPHRENIA PHENYLPYRUVICA; Phenylketonurias. Identifiers: Orphanet 716, MedGen C0031485, MONDO:0009861, OMIM 261600. Disease mechanism: loss of function.

gnomAD v4.1: 3 of 1,613,416 alleles (0.00019%); highest among the groups gnomAD compares: Non-Finnish European, 0.00025%; no homozygotes.

Submissions (6):

Natera, Inc.
Classification: Pathogenic for Phenylketonuria. Last evaluated: 2025-09-22. Review status: criteria provided, single submitter. Criteria: Natera Variant Classification Schema (03/2026). Collection method: clinical testing. Allele origin: germline.
Comment: The c.992T>G variant in PAH is a missense variant predicted to cause substitution of phenylalanine to cysteine at amino acid 331. This variant is rare in the general population with a frequency below the threshold expected for the associated phenotype(s). This variant has been observed in one or more individuals affected with the associated recessive disease, as either homozygous or compound heterozygous with a second variant (PMID: 28593914, 8659548, 10356314). This variant is located in a functionally critical region of the protein. A different variant at the same position has been determined to be Pathogenic or Likely Pathogenic. Computational prediction algorithms indicate this variant is likely to affect gene or protein function. Given the available evidence, this variant is classified as Pathogenic.

Genomic Medicine Center of Excellence, King Faisal Specialist Hospital and Research Centre
Classification: Pathogenic for Phenylketonuria. Last evaluated: 2025-09-10. Review status: criteria provided, single submitter. Criteria: ACMG Guidelines, 2015. Collection method: clinical testing. Allele origin: germline.

Revvity Omics, Revvity
Classification: Likely pathogenic for Phenylketonuria. Last evaluated: 2025-06-19. Review status: criteria provided, single submitter. Criteria: ACMG Guidelines, 2015. Collection method: clinical testing. Allele origin: germline.

Baylor Genetics
Classification: Likely pathogenic for Phenylketonuria. Last evaluated: 2023-11-17. Review status: criteria provided, single submitter. Criteria: ACMG Guidelines, 2015. Collection method: clinical testing. Allele origin: unknown.

Labcorp Genetics (formerly Invitae), Labcorp
Classification: Pathogenic for Phenylketonuria. Last evaluated: 2022-10-08. Review status: criteria provided, single submitter. Criteria: Invitae Variant Classification Sherloc (09022015). Collection method: clinical testing. Allele origin: germline.
Comment: For these reasons, this variant has been classified as Pathogenic. This variant disrupts the p.Phe331 amino acid residue in PAH. Other variant(s) that disrupt this residue have been observed in individuals with PAH-related conditions (PMID: 7833954, 23764561), which suggests that this may be a clinically significant amino acid residue. Advanced modeling of protein sequence and biophysical properties (such as structural, functional, and spatial information, amino acid conservation, physicochemical variation, residue mobility, and thermodynamic stability) performed at Invitae indicates that this missense variant is expected to disrupt PAH protein function. ClinVar contains an entry for this variant (Variation ID: 102926). This missense change has been observed in individual(s) with hyperphenylalaninemia (PMID: 8659548; Invitae). This variant is not present in population databases (gnomAD no frequency). This sequence change replaces phenylalanine, which is neutral and non-polar, with cysteine, which is neutral and slightly polar, at codon 331 of the PAH protein (p.Phe331Cys).

DeBelle Laboratory for Biochemical Genetics, MUHC/MCH RESEARCH INSTITUTE
No classification provided. Review status: no classification provided. Collection method: not provided. Allele origin: not provided. Not counted in ClinVar's aggregate classification.

Literature cited by the submitters: PubMed 28593914 (cited by Natera, Inc.); PubMed 8659548 (cited by Natera, Inc. and Labcorp Genetics (formerly Invitae), Labcorp); PubMed 10356314 (cited by Natera, Inc.); PubMed 7833954 (cited by Labcorp Genetics (formerly Invitae), Labcorp); PubMed 23764561 (cited by Labcorp Genetics (formerly Invitae), Labcorp).

NM_000277.3(PAH):c.992T>G (p.Phe331Cys)

Gene: PAH (phenylalanine hydroxylase; minus strand). Cytogenetic location: 12q23.2.
Variant type: single nucleotide variant.
Coding change: c.992T>G on transcript NM_000277.3 (MANE Select); coding-DNA position 992, T replaced by G.
Protein change: p.Phe331Cys; replaces phenylalanine 331 with cysteine.
Molecular consequence: missense variant.
Genome position (GRCh38, 1-based): chr12:102,844,409, A>C on the plus strand (T>G on the coding strand, the complement: PAH is on the minus strand). VCF-style: chr12-102844409-A-C. GRCh37 (hg19) VCF-style: chr12-103238187-A-C.
Other names: c.992T>G, p.Phe331Cys (NM_001354304.2); c.992T>G (NM_000277.2); short protein forms F331C.
Identifiers: ClinVar variation 102926 (VCV000102926.10), dbSNP rs199475614, ClinGen allele CA229895.